The following is an entry in ClinVar:

NM_001126108.2(SLC12A3):c.1619A>G (p.Tyr540Cys)

Gene: SLC12A3 (solute carrier family 12 member 3; plus strand). Cytogenetic location: 16q13.
Variant type: single nucleotide variant.
Coding change: c.1619A>G on transcript NM_001126108.2 (MANE Select); coding-DNA position 1619, A replaced by G.
Protein change: p.Tyr540Cys; replaces tyrosine 540 with cysteine.
Molecular consequence: missense variant.
Genome position (GRCh38, 1-based): chr16:56,882,447, A>G. VCF-style: chr16-56882447-A-G. GRCh37 (hg19) VCF-style: chr16-56916359-A-G.
Other names: c.1619A>G, p.Tyr540Cys (NM_000339.3); c.1616A>G, p.Tyr539Cys (NM_001126107.2); c.1619A>G (NM_000339.2); short protein forms Y539C, Y540C.
Identifiers: ClinVar variation 1459110 (VCV001459110.11), dbSNP rs2144719500, ClinGen allele CA395989085.

ClinVar aggregate classification (germline): Pathogenic/Likely pathogenic. Review status: criteria provided, multiple submitters, no conflicts (2 of 4 stars). 3 submissions from 3 submitters: Pathogenic (1); Likely pathogenic (2). Last evaluated 2025-01-23.

Conditions:
Familial hypokalemia-hypomagnesemia (GTLMNS). Also called: HYPOMAGNESEMIA-HYPOKALEMIA, PRIMARY RENOTUBULAR, WITH HYPOCALCIURIA; POTASSIUM AND MAGNESIUM DEPLETION; gitelman syndrome. Identifiers: Orphanet 358, MedGen C0268450, MONDO:0009904, OMIM 263800.

gnomAD v4.1: 2 of 1,613,996 alleles (0.00012%); highest among the groups gnomAD compares: Non-Finnish European, 0.00017%; no homozygotes.

Submissions (3):

Natera, Inc.
Classification: Likely pathogenic for Gitelman syndrome. Last evaluated: 2025-01-23. Review status: criteria provided, single submitter. Criteria: Natera Variant Classification Schema (03/2026). Collection method: clinical testing. Allele origin: germline.
Comment: The c.1619A>G variant in SLC12A3 is a missense variant predicted to cause substitution of tyrosine to cysteine at amino acid 540. This variant is rare in the general population with a frequency below the threshold expected for the associated phenotype(s). This variant has been observed in one or more individuals affected with the associated recessive disease, as either homozygous or compound heterozygous with a second variant (PMID: 31672324, 21415153). Computational prediction algorithms indicate this variant is likely to affect gene or protein function. Given the available evidence, this variant is classified as Likely Pathogenic.

Labcorp Genetics (formerly Invitae), Labcorp
Classification: Pathogenic. Last evaluated: 2024-04-19. Review status: criteria provided, single submitter. Criteria: Invitae Variant Classification Sherloc (09022015). Collection method: clinical testing. Allele origin: germline.
Comment: This sequence change replaces tyrosine, which is neutral and polar, with cysteine, which is neutral and slightly polar, at codon 540 of the SLC12A3 protein (p.Tyr540Cys). This variant is not present in population databases (gnomAD no frequency). This missense change has been observed in individual(s) with Gitelman syndrome (PMID: 21415153, 31672324). In at least one individual the data is consistent with being in trans (on the opposite chromosome) from a pathogenic variant. ClinVar contains an entry for this variant (Variation ID: 1459110). Advanced modeling of protein sequence and biophysical properties (such as structural, functional, and spatial information, amino acid conservation, physicochemical variation, residue mobility, and thermodynamic stability) performed at Invitae indicates that this missense variant is expected to disrupt SLC12A3 protein function with a positive predictive value of 95%. For these reasons, this variant has been classified as Pathogenic.

Fulgent Genetics
Classification: Likely pathogenic for Familial hypokalemia-hypomagnesemia. Last evaluated: 2024-01-07. Review status: criteria provided, single submitter. Criteria: ACMG Guidelines, 2015. Collection method: clinical testing. Allele origin: germline.

Literature cited by the submitters: PubMed 31672324 (cited by Natera, Inc. and Labcorp Genetics (formerly Invitae), Labcorp); PubMed 21415153 (cited by Natera, Inc. and Labcorp Genetics (formerly Invitae), Labcorp).